The following is an entry in ClinVar:

ClinVar aggregate classification (germline): Uncertain significance (1 of 4 stars; one submission).

gnomAD v4.1: 1 of 1,612,946 alleles (0.000062%); highest among the groups gnomAD compares: Non-Finnish European, 0.000085%; no homozygotes.

Submission:

GeneDx
Classification: Uncertain significance. Last evaluated: 2023-04-10. Review status: criteria provided, single submitter. Criteria: GeneDx Variant Classification Process June 2021. Collection method: clinical testing. Allele origin: germline. Affected: yes.
Comment: Not observed at significant frequency in large population cohorts (gnomAD); In silico analysis supports that this missense variant does not alter protein structure/function; Has not been previously published as pathogenic or benign to our knowledge

NM_001128228.3(TPRN):c.2024C>G (p.Ala675Gly)

Gene: TPRN (taperin; minus strand). Cytogenetic location: 9q34.3.
Variant type: single nucleotide variant.
Coding change: c.2024C>G on transcript NM_001128228.3 (MANE Select); coding-DNA position 2024, C replaced by G.
Protein change: p.Ala675Gly; replaces alanine 675 with glycine.
Molecular consequence: missense variant.
Genome position (GRCh38, 1-based): chr9:137,192,308, G>C on the plus strand (C>G on the coding strand, the complement: TPRN is on the minus strand). VCF-style: chr9-137192308-G-C. GRCh37 (hg19) VCF-style: chr9-140086760-G-C.
Other names: short protein forms A675G.
Identifiers: ClinVar variation 2662583 (VCV002662583.1), dbSNP rs746314611, ClinGen allele CA375769358.
Genomic context (GRCh38, chr9:137,192,308, plus strand): 5'-CCGCATCTCACCATGGCCTCCACGGGCGGGGGCTCTGCCTCCCTCGGGGCCTGCTCCAGC[G>C]CCTGCTCCTGCCACTTGCTGAAGGCCACAGAGTGCTTCGGGGTGTAGCTGGACAGGCCTG-3'
Protein context (NP_001121700.2, residues 665-685): SVAFSKWQEQ[Ala675Gly]LEQAPREAEP